The following is an entry in ClinVar:

ClinVar aggregate classification (germline): Uncertain significance. Review status: criteria provided, multiple submitters, no conflicts (2 of 4 stars). 2 submissions from 2 submitters: Uncertain significance (2). Last evaluated 2025-02-09.

Conditions:
Inborn genetic diseases. Identifiers: MedGen C0950123, MeSH D030342.

Allele frequency attached by ClinVar (database versions not stated): ExAC 0.00007; TOPMed 0.00010; gnomAD exomes 0.00012 and 0.00020; gnomAD 0.00016; ESP Exome Variant Server 0.00023.
gnomAD v4.1: 313 of 1,614,020 alleles (0.019%); highest among the groups gnomAD compares: Non-Finnish European, 0.025%; no homozygotes.

Submissions (2):

Ambry Genetics
Classification: Uncertain significance for Inborn genetic diseases. Last evaluated: 2025-02-09. Review status: criteria provided, single submitter. Criteria: Ambry Variant Classification Scheme 2023. Collection method: clinical testing. Allele origin: germline.

Labcorp Genetics (formerly Invitae), Labcorp
Classification: Uncertain significance. Last evaluated: 2024-12-31. Review status: criteria provided, single submitter. Criteria: Invitae Variant Classification Sherloc (09022015). Collection method: clinical testing. Allele origin: germline.
Comment: This sequence change replaces alanine, which is neutral and non-polar, with proline, which is neutral and non-polar, at codon 495 of the CAD protein (p.Ala495Pro). This variant is present in population databases (rs142632262, gnomAD 0.02%). This variant has not been reported in the literature in individuals affected with CAD-related conditions. ClinVar contains an entry for this variant (Variation ID: 1411418). Invitae Evidence Modeling of protein sequence and biophysical properties (such as structural, functional, and spatial information, amino acid conservation, physicochemical variation, residue mobility, and thermodynamic stability) indicates that this missense variant is not expected to disrupt CAD protein function with a negative predictive value of 80%. In summary, the available evidence is currently insufficient to determine the role of this variant in disease. Therefore, it has been classified as a Variant of Uncertain Significance.

NM_004341.5(CAD):c.1483G>C (p.Ala495Pro)

Gene: CAD (carbamoyl-phosphate synthetase 2, aspartate transcarbamylase, and dihydroorotase; plus strand). Cytogenetic location: 2p23.3.
Variant type: single nucleotide variant.
Coding change: c.1483G>C on transcript NM_004341.5 (MANE Select); coding-DNA position 1483, G replaced by C.
Protein change: p.Ala495Pro; replaces alanine 495 with proline.
Molecular consequence: missense variant.
Genome position (GRCh38, 1-based): chr2:27,225,106, G>C. VCF-style: chr2-27225106-G-C. GRCh37 (hg19) VCF-style: chr2-27447974-G-C.
Other names: c.1483G>C, p.Ala495Pro (NM_001306079.2); c.1483G>C (NM_004341.3); short protein forms A495P.
Identifiers: ClinVar variation 1411418 (VCV001411418.8), dbSNP rs142632262, ClinGen allele CA1572731.